The following is an entry in ClinVar:

NM_138420.4(AHNAK2):c.12836G>A (p.Arg4279Gln)

Gene: AHNAK2 (AHNAK nucleoprotein 2; minus strand). Cytogenetic location: 14q32.33.
Variant type: single nucleotide variant.
Coding change: c.12836G>A on transcript NM_138420.4 (MANE Select); coding-DNA position 12836, G replaced by A.
Protein change: p.Arg4279Gln; replaces arginine 4279 with glutamine.
Molecular consequence: missense variant.
Genome position (GRCh38, 1-based): chr14:104,942,615, C>T on the plus strand (G>A on the coding strand, the complement: AHNAK2 is on the minus strand). VCF-style: chr14-104942615-C-T. GRCh37 (hg19) VCF-style: chr14-105408952-C-T.
Other names: c.12536G>A, p.Arg4179Gln (NM_001350929.2); short protein forms R4179Q, R4279Q.
Identifiers: ClinVar variation 4873604 (VCV004873604.2).

ClinVar aggregate classification (germline): Likely benign (1 of 4 stars; one submission).

Submission:

CeGaT Center for Human Genetics Tuebingen
Classification: Likely benign. Last evaluated: 2026-05-01. Review status: criteria provided, single submitter. Criteria: CeGaT Center For Human Genetics Tuebingen Variant Classification Criteria Version 2. Collection method: clinical testing. Allele origin: germline. Affected: yes. Observed: 1 variant allele.
Comment: AHNAK2: BP4